The following is an entry in ClinVar:

NC_000007.14:g.156789751dup

Genes: LMBR1 (limb development membrane protein 1; minus strand), SHH (sonic hedgehog signaling molecule; minus strand). Cytogenetic location: 7q36.3.
Variant type: Duplication.
Molecular consequence: intron variant (on NM_022458.4).
Genome position: GRCh38 VCF-style: chr7-156789750-A-AG. GRCh37 (hg19) VCF-style: chr7-156582444-A-AG.
Other names: c.360+6638dup (NM_001363412.2); c.144+6638dup (NM_001350954.2); c.423+6638dup (NM_001363410.2, NM_022458.4, NM_001363409.2 and 1 more transcripts); c.-112+6638dup (NM_001350958.2, NM_001350956.2, NM_001350955.2 and 1 more transcripts); c.54+6638dup (NM_001350957.2, NM_001363411.2).
Identifiers: ClinVar variation 2026342 (VCV002026342.4), dbSNP rs2536108407, ClinGen allele CA2580077752.
Genomic context (GRCh38, chr7:156,789,750, plus strand): 5'-TCTGGTGAGCTCTTGTCCTGCAGGCCTGTGGTATCCTAATGACTTAAGAAGCTCTCTAGT[A>AG]GCACTAAATCTGACATTTAATTTTCCTTTCAAATAAAGTTTATTCCAACCAAGGGTGAGT-3'

ClinVar aggregate classification (germline): Uncertain significance (1 of 4 stars; one submission).

Conditions:
Holoprosencephaly 3 (HPE3). Identifiers: Orphanet 2162, MedGen C1840529, MONDO:0007733, OMIM 142945.

Submission:

Labcorp Genetics (formerly Invitae), Labcorp
Classification: Uncertain significance for Holoprosencephaly 3. Last evaluated: 2022-10-01. Review status: criteria provided, single submitter. Criteria: Invitae Variant Classification Sherloc (09022015). Collection method: clinical testing. Allele origin: germline.
Comment: Experimental studies and prediction algorithms are not available or were not evaluated, and the effect of this variant on mRNA splicing is currently unknown. In summary, the available evidence is currently insufficient to determine the role of this variant in disease. Therefore, it has been classified as a Variant of Uncertain Significance. This variant has not been reported in the literature in individuals affected with SHH-related conditions. This variant is not present in population databases (gnomAD no frequency). This variant occurs in a non-coding region of the SHH gene. It does not change the encoded amino acid sequence of the SHH protein.